The following is an entry in ClinVar:

NM_206933.4(USH2A):c.11712A>G (p.Arg3904=)

Gene: USH2A (usherin; minus strand). Cytogenetic location: 1q41.
Variant type: single nucleotide variant.
Coding change: c.11712A>G on transcript NM_206933.4 (MANE Select); coding-DNA position 11712, A replaced by G.
Protein change: p.Arg3904=; no amino-acid change (arginine 3904 retained).
Molecular consequence: synonymous variant.
Genome position (GRCh38, 1-based): chr1:215,728,384, T>C on the plus strand (A>G on the coding strand, the complement: USH2A is on the minus strand). VCF-style: chr1-215728384-T-C. GRCh37 (hg19) VCF-style: chr1-215901726-T-C.
Identifiers: ClinVar variation 2090531 (VCV002090531.4), dbSNP rs2465050480, ClinGen allele CA423430228.

ClinVar aggregate classification (germline): Uncertain significance (1 of 4 stars; one submission).

Submission:

Labcorp Genetics (formerly Invitae), Labcorp
Classification: Uncertain significance. Last evaluated: 2022-10-25. Review status: criteria provided, single submitter. Criteria: Invitae Variant Classification Sherloc (09022015). Collection method: clinical testing. Allele origin: germline.
Comment: This sequence change affects codon 3904 of the USH2A mRNA. It is a 'silent' change, meaning that it does not change the encoded amino acid sequence of the USH2A protein. It affects a nucleotide within the consensus splice site. This variant is not present in population databases (gnomAD no frequency). This variant has not been reported in the literature in individuals affected with USH2A-related conditions. Algorithms developed to predict the effect of sequence changes on RNA splicing suggest that this variant is not likely to affect RNA splicing. In summary, the available evidence is currently insufficient to determine the role of this variant in disease. Therefore, it has been classified as a Variant of Uncertain Significance.